The following is an entry in ClinVar:

NM_000264.5(PTCH1):c.14G>A (p.Gly5Asp)

Genes: PTCH1 (patched 1; minus strand), LOC130002133 (ATAC-STARR-seq lymphoblastoid silent region 20071; plus strand). Cytogenetic location: 9q22.32.
Variant type: single nucleotide variant.
Coding change: c.14G>A on transcript NM_000264.5 (MANE Select); coding-DNA position 14, G replaced by A.
Protein change: p.Gly5Asp; replaces glycine 5 with aspartic acid.
Molecular consequence: missense variant. On other transcripts: non-coding transcript variant (1), intron variant (3).
Genome position (GRCh38, 1-based): chr9:95,508,348, C>T on the plus strand (G>A on the coding strand, the complement: PTCH1 is on the minus strand). VCF-style: chr9-95508348-C-T. GRCh37 (hg19) VCF-style: chr9-98270630-C-T.
Other names: c.14G>A, p.Gly5Asp (NM_001354918.2); c.199-1749G>A (NM_001083603.3); c.4-1749G>A (NM_001083602.3, NM_001354919.2); short protein forms G5D.
Identifiers: ClinVar variation 3016644 (VCV003016644.4), dbSNP rs864622762, ClinGen allele CA374121745.

ClinVar aggregate classification (germline): Uncertain significance. Review status: criteria provided, multiple submitters, no conflicts (2 of 4 stars). 2 submissions from 2 submitters: Uncertain significance (2). Last evaluated 2026-06-01.

Conditions:
Hereditary cancer-predisposing syndrome. Also called: Hereditary neoplastic syndrome; Neoplastic Syndromes, Hereditary; Tumor predisposition; Hereditary Cancer Syndrome. Identifiers: Orphanet 140162, MedGen C0027672, MeSH D009386, MONDO:0015356.
Gorlin syndrome. Also called: Nevoid Basal Cell Carcinoma Syndrome; Basal cell nevus syndrome. Identifiers: Orphanet 377, MedGen C0004779, MONDO:0007187.

gnomAD v4.1: 1 of 1,211,764 alleles (0.000083%); highest among the groups gnomAD compares: Non-Finnish European, 0.0001%; no homozygotes.

Submissions (2):

Ambry Genetics
Classification: Uncertain significance for Hereditary cancer-predisposing syndrome. Last evaluated: 2026-06-01. Review status: criteria provided, single submitter. Criteria: Ambry Variant Classification Scheme 2023. Collection method: clinical testing. Allele origin: germline.
Comment: The p.G5D variant (also known as c.14G>A), located in coding exon 1 of the PTCH1 gene, results from a G to A substitution at nucleotide position 14. The glycine at codon 5 is replaced by aspartic acid, an amino acid with similar properties. This amino acid position is conserved. In addition, this alteration is predicted to be tolerated by in silico analysis. Based on the available evidence, the clinical significance of this variant remains unclear.

Labcorp Genetics (formerly Invitae), Labcorp
Classification: Uncertain significance for Gorlin syndrome. Last evaluated: 2025-11-10. Review status: criteria provided, single submitter. Criteria: Invitae Variant Classification Sherloc (09022015). Collection method: clinical testing. Allele origin: germline.
Comment: This sequence change replaces glycine, which is neutral and non-polar, with aspartic acid, which is acidic and polar, at codon 5 of the PTCH1 protein (p.Gly5Asp). This variant is not present in population databases (gnomAD no frequency). This variant has not been reported in the literature in individuals affected with PTCH1-related conditions. ClinVar contains an entry for this variant (Variation ID: 3016644). Invitae Evidence Modeling of protein sequence and biophysical properties (such as structural, functional, and spatial information, amino acid conservation, physicochemical variation, residue mobility, and thermodynamic stability) indicates that this missense variant is not expected to disrupt PTCH1 protein function with a negative predictive value of 95%. In summary, the available evidence is currently insufficient to determine the role of this variant in disease. Therefore, it has been classified as a Variant of Uncertain Significance.